The following is an entry in ClinVar:

ClinVar aggregate classification (germline): Uncertain significance (1 of 4 stars; one submission).

Conditions:
Hereditary cancer-predisposing syndrome. Also called: Neoplastic Syndromes, Hereditary; Hereditary Cancer Syndrome; Tumor predisposition; Hereditary neoplastic syndrome. Identifiers: Orphanet 140162, MedGen C0027672, MeSH D009386, MONDO:0015356.

Submission:

Ambry Genetics
Classification: Uncertain significance for Hereditary cancer-predisposing syndrome. Last evaluated: 2025-01-06. Review status: criteria provided, single submitter. Criteria: Ambry Variant Classification Scheme 2023. Collection method: clinical testing. Allele origin: germline.
Comment: The p.D76G variant (also known as c.227A>G), located in coding exon 2 of the POLD1 gene, results from an A to G substitution at nucleotide position 227. The aspartic acid at codon 76 is replaced by glycine, an amino acid with similar properties. This amino acid position is conserved. In addition, this alteration is predicted to be tolerated by in silico analysis. Based on the available evidence, the clinical significance of this variant remains unclear.

NM_002691.4(POLD1):c.227A>G (p.Asp76Gly)

Gene: POLD1 (DNA polymerase delta 1, catalytic subunit; plus strand). Cytogenetic location: 19q13.33.
Variant type: single nucleotide variant.
Coding change: c.227A>G on transcript NM_002691.4 (MANE Select); coding-DNA position 227, A replaced by G.
Protein change: p.Asp76Gly; replaces aspartic acid 76 with glycine.
Molecular consequence: missense variant. On other transcripts: non-coding transcript variant (1).
Genome position (GRCh38, 1-based): chr19:50,399,395, A>G. VCF-style: chr19-50399395-A-G. GRCh37 (hg19) VCF-style: chr19-50902652-A-G.
Other names: c.227A>G, p.Asp76Gly (NM_001256849.1, NM_001308632.1); short protein forms D76G.
Identifiers: ClinVar variation 3781382 (VCV003781382.1).